The following is an entry in ClinVar:

NC_000001.10:g.(?_156108851)_(156108897_?)del

Gene: LMNA (lamin A/C; plus strand). Cytogenetic location: 1q22.
Variant type: Deletion.
Identifiers: ClinVar variation 1412860 (VCV001412860.5).

ClinVar aggregate classification (germline): Uncertain significance (1 of 4 stars; one submission).

Conditions:
Charcot-Marie-Tooth disease type 2. Also called: Charcot-Marie-Tooth type 2. Identifiers: Orphanet 64746, MedGen C0270914, MONDO:0018993.

Submission:

Labcorp Genetics (formerly Invitae), Labcorp
Classification: Uncertain significance for Charcot-Marie-Tooth disease type 2. Last evaluated: 2022-03-23. Review status: criteria provided, single submitter. Criteria: Invitae Variant Classification Sherloc (09022015). Collection method: clinical testing. Allele origin: germline.
Comment: In summary, the available evidence is currently insufficient to determine the role of this variant in disease. Therefore, it has been classified as a Variant of Uncertain Significance. Experimental studies and prediction algorithms are not available or were not evaluated, and the functional significance of this variant is currently unknown. This variant has not been reported in the literature in individuals affected with LMNA-related conditions. This variant is a gross deletion of the genomic region encompassing exon(s) 12 of the LMNA gene, which includes the termination codon. This deletion extends beyond the assayed region for this gene and therefore may encompass additional genes. While this deletion is not anticipated to lead to nonsense mediated decay, it is expected to alter mRNA translation or result in a truncated protein product.